The following is an entry in ClinVar:

ClinVar aggregate classification (germline): Uncertain significance (1 of 4 stars; one submission).

Allele frequency attached by ClinVar (database versions not stated): TOPMed below 0.00001; gnomAD 0.00001.
gnomAD v4.1: 20 of 1,613,926 alleles (0.0012%); highest among the groups gnomAD compares: Middle Eastern, 0.017%; no homozygotes.

Submission:

Women's Health and Genetics/Laboratory Corporation of America, LabCorp
Classification: Uncertain significance. Last evaluated: 2023-08-11. Review status: criteria provided, single submitter. Criteria: LabCorp Variant Classification Summary - May 2015. Collection method: clinical testing. Allele origin: germline.
Comment: Variant summary: SAG c.916G>A (p.Glu306Lys) results in a conservative amino acid change located in the Arrestin C-terminal-like domain (IPR011022) of the encoded protein sequence. Three of five in-silico tools predict a damaging effect of the variant on protein function. The variant allele was found at a frequency of 1.2e-05 in 248984 control chromosomes (gnomAD). The available data on variant occurrences in the general population are insufficient to allow any conclusion about variant significance. To our knowledge, no occurrence of c.916G>A in individuals affected with Retinitis pigmentosa 47 and no experimental evidence demonstrating its impact on protein function have been reported. No submitters have cited clinical-significance assessments for this variant to ClinVar after 2014. Based on the evidence outlined above, the variant was classified as uncertain significance.

NM_000541.5(SAG):c.916G>A (p.Glu306Lys)

Gene: SAG (S-antigen visual arrestin; plus strand). Cytogenetic location: 2q37.1.
Variant type: single nucleotide variant.
Coding change: c.916G>A on transcript NM_000541.5 (MANE Select); coding-DNA position 916, G replaced by A.
Protein change: p.Glu306Lys; replaces glutamic acid 306 with lysine.
Molecular consequence: missense variant.
Genome position (GRCh38, 1-based): chr2:233,335,071, G>A. VCF-style: chr2-233335071-G-A. GRCh37 (hg19) VCF-style: chr2-234243717-G-A.
Other names: short protein forms E306K.
Identifiers: ClinVar variation 2581655 (VCV002581655.1), dbSNP rs397514682, ClinGen allele CA351048523.